The following is an entry in ClinVar:

ClinVar aggregate classification (germline): Uncertain significance (1 of 4 stars; one submission).

Allele frequency attached by ClinVar (database versions not stated): gnomAD exomes below 0.00001.
gnomAD v4.1: 1 of 1,614,190 alleles (0.000062%); highest among the groups gnomAD compares: East Asian, 0.0022%; no homozygotes.

Submission:

Labcorp Genetics (formerly Invitae), Labcorp
Classification: Uncertain significance. Last evaluated: 2021-12-23. Review status: criteria provided, single submitter. Criteria: Invitae Variant Classification Sherloc (09022015). Collection method: clinical testing. Allele origin: germline.
Comment: This sequence change replaces proline, which is neutral and non-polar, with arginine, which is basic and polar, at codon 199 of the ADAMTS18 protein (p.Pro199Arg). This variant is not present in population databases (gnomAD no frequency). This variant has not been reported in the literature in individuals affected with ADAMTS18-related conditions. Algorithms developed to predict the effect of missense changes on protein structure and function are either unavailable or do not agree on the potential impact of this missense change (SIFT: "Not Available"; PolyPhen-2: "Probably Damaging"; Align-GVGD: "Not Available"). In summary, the available evidence is currently insufficient to determine the role of this variant in disease. Therefore, it has been classified as a Variant of Uncertain Significance.

NM_199355.4(ADAMTS18):c.596C>G (p.Pro199Arg)

Gene: ADAMTS18 (ADAM metallopeptidase with thrombospondin type 1 motif 18; minus strand). Cytogenetic location: 16q23.1.
Variant type: single nucleotide variant.
Coding change: c.596C>G on transcript NM_199355.4 (MANE Select); coding-DNA position 596, C replaced by G.
Protein change: p.Pro199Arg; replaces proline 199 with arginine.
Molecular consequence: missense variant.
Genome position (GRCh38, 1-based): chr16:77,367,623, G>C on the plus strand (C>G on the coding strand, the complement: ADAMTS18 is on the minus strand). VCF-style: chr16-77367623-G-C. GRCh37 (hg19) VCF-style: chr16-77401520-G-C.
Other names: c.76C>G, p.Leu26Val (NM_001326358.2); short protein forms L26V, P199R.
Identifiers: ClinVar variation 2043043 (VCV002043043.4), dbSNP rs2543757253, ClinGen allele CA396825666.